The following is an entry in ClinVar:

NM_033380.3(COL4A5):c.3088G>A (p.Gly1030Ser)

Gene: COL4A5 (collagen type IV alpha 5 chain; plus strand). Cytogenetic location: Xq22.3.
Variant type: single nucleotide variant.
Coding change: c.3088G>A on transcript NM_033380.3 (MANE Select); coding-DNA position 3088, G replaced by A.
Protein change: p.Gly1030Ser; replaces glycine 1030 with serine.
Molecular consequence: missense variant.
Genome position (GRCh38, 1-based): chrX:108,625,776, G>A. VCF-style: chrX-108625776-G-A. GRCh37 (hg19) VCF-style: chrX-107869006-G-A.
Other names: p.(Gly1030Ser); c.3088G>A, p.Gly1030Ser (NM_000495.5); c.3088G>A (NM_000495.4, NM_033380.1); short protein forms G1030S.
Identifiers: ClinVar variation 24591 (VCV000024591.47), dbSNP rs104886210, ClinGen allele CA258803.

ClinVar aggregate classification (germline): Pathogenic/Likely pathogenic. Review status: criteria provided, multiple submitters, no conflicts (2 of 4 stars). 13 submissions from 13 submitters: Pathogenic (9); Likely pathogenic (3). 1 of the submissions does not count toward it. Last evaluated 2026-07-02.

Conditions:
COL4A5-related disorders.
Nephrotic syndrome. Identifiers: MedGen C0027726, MONDO:0005377, HP:0000100.
Alport syndrome. Also called: Hemorrhagic familial nephritis; Hemorrhagic hereditary nephritis; Congenital hereditary hematuria. Identifiers: Orphanet 63, MedGen C1567741, MONDO:0018965.
X-linked Alport syndrome (ATS1). Also called: COL4A5-Related Nephropathy; NEPHROPATHY AND DEAFNESS, X-LINKED. Identifiers: Orphanet 63, Orphanet 88917, MedGen C4746986, MONDO:0010520, OMIM 301050.
Hematuria. Identifiers: MedGen C0018965, HP:0000790.

Allele frequency attached by ClinVar (database versions not stated): gnomAD exomes below 0.00001.
gnomAD v4.1: 2 of 1,198,669 alleles (0.00017%); highest among the groups gnomAD compares: East Asian, 0.003%; no homozygotes.

Submissions (13):

Centre de Génétique Humaine, Institut de Pathologie Et de Génétique
Classification: Pathogenic for X-linked Alport syndrome. Last evaluated: 2026-07-02. Review status: criteria provided, single submitter. Criteria: ACMG Guidelines, 2015. Collection method: clinical testing. Allele origin: maternal, paternal. Inheritance: X-linked dominant inheritance. Affected: yes. Observed: 10 variant alleles, 6 heterozygotes, 4 hemizygotes. Clinical features observed: Microscopic hematuria (HP:0002907), Sensorineural hearing loss disorder (HP:0000407), Macroscopic hematuria (HP:0012587), Moderate albuminuria (HP:0012594), Stage 2 chronic kidney disease (HP:0012624), Proteinuria (HP:0000093), Cataract (HP:0000518). Segregation with disease observed.
Comment: This missense variant involves a highly conserved glycine located in a ‘Gly-X-Y’ motif in collagenous region, which is characteristic of the pathogenic variants identified in the COL4A5 gene (PM1,PP2). This variant is rare: allelic frequency of 0.00016% in gnomAD v4.1.0 database (PM2). Functional in vitro studies of this variant showed a secretion-dependent defect in a trimer formation assay, PMID: 29526710 and PMID: 32405592 (PS3). Another missense variant affecting the same residue described as LP in ClinVar: c.3089G>T (p.Gly1030Val) (PM5). Cosegragation over three generations in a family analysed in our lab (PP1). In silico analysis supports that this missense variant has a deleterious effect (PP3). Described as LP/P in ClinVar and in several patients with X-linked AS in the scientific literature (PP5 strong)

Genetics Laboratory, Great Ormond Street Hospital NHS Foundation Trust, North Thames Genomic Laboratory Hub
Classification: Likely pathogenic for Haematuria. Last evaluated: 2026-04-30. Review status: criteria provided, single submitter. Criteria: ACGS Best Practice Guidelines for Variant Classification in Rare Disease 2024 v1.2. Collection method: clinical testing. Allele origin: germline. Affected: yes.
Comment: PS4_moderate, PM2_moderate, PP3_supporting, PM1_strong

Natera, Inc.
Classification: Pathogenic for X-linked Alport syndrome. Last evaluated: 2026-01-29. Review status: criteria provided, single submitter. Criteria: Natera Variant Classification Schema (03/2026). Collection method: clinical testing. Allele origin: germline.
Comment: The c.3088G>A variant in COL4A5 is a missense variant predicted to cause substitution of glycine to serine at amino acid 1030. This variant is rare in the general population with a frequency below the threshold expected for the associated phenotype(s). This variant has been observed in affected individual(s) with monoallelic occurrence (heterozygous/hemizygous) (PMID: 20378821). Additionally, this variant has been observed to segregate in affected family members (PMID: 20378821). This variant is located in a functionally critical region of the protein. Computational prediction algorithms indicate this variant is likely to affect gene or protein function. Given the available evidence, this variant is classified as Pathogenic.

Labcorp Genetics (formerly Invitae), Labcorp
Classification: Pathogenic. Last evaluated: 2025-11-16. Review status: criteria provided, single submitter. Criteria: Invitae Variant Classification Sherloc (09022015). Collection method: clinical testing. Allele origin: germline.
Comment: This sequence change replaces glycine, which is neutral and non-polar, with serine, which is neutral and polar, at codon 1030 of the COL4A5 protein (p.Gly1030Ser). This variant is not present in population databases (gnomAD no frequency). This missense change has been observed in individuals with Alport syndrome (PMID: 9848783, 24130771). ClinVar contains an entry for this variant (Variation ID: 24591). Invitae Evidence Modeling of protein sequence and biophysical properties (such as structural, functional, and spatial information, amino acid conservation, physicochemical variation, residue mobility, and thermodynamic stability) indicates that this missense variant is expected to disrupt COL4A5 protein function with a positive predictive value of 95%. This variant disrupts the triple helix domain of COL4A5. Glycine residues within the Gly-Xaa-Yaa repeats of the triple helix domain are required for the structure and stability of fibrillar collagens (PMID: 7695699, 8218237, 19344236). In COL4A5, missense variants at these glycine residues are significantly enriched in individuals with disease (PMID: 23720012, 27627812) compared to the general population (ExAC). For these reasons, this variant has been classified as Pathogenic.

Mayo Clinic Laboratories, Mayo Clinic
Classification: Pathogenic. Last evaluated: 2025-09-30. Review status: criteria provided, single submitter. Criteria: ACMG Guidelines, 2015. Collection method: clinical testing. Allele origin: germline. Observed: 1 variant allele.
Comment: PP3_strong, PM1, PM2_strong, PS4

3billion
Classification: Pathogenic for X-linked Alport syndrome. Last evaluated: 2023-09-04. Review status: criteria provided, single submitter. Criteria: ACMG Guidelines, 2015. Collection method: clinical testing. Allele origin: germline. Affected: yes.
Comment: The variant is not observed in the gnomAD v2.1.1 dataset. Predicted Consequence/Location: The variant is located in a mutational hot spot and/or well-established functional domain in which established pathogenic variants have been reported (PMID: 30311386, 27627812). In silico tool predictions suggest damaging effect of the variant on gene or gene product [REVEL: 0.98 (>=0.6, sensitivity 0.68 and specificity 0.92); 3Cnet: 0.87 (>=0.6, sensitivity 0.72 and precision 0.9)]. Same nucleotide change resulting in same amino acid change has been previously reported as pathogenic/likely pathogenic with strong evidence (ClinVar ID: VCV000024591 /PMID: 9848783). Therefore, this variant is classified as Pathogenic according to the recommendation of ACMG/AMP guideline.

CeGaT Center for Human Genetics Tuebingen
Classification: Pathogenic. Last evaluated: 2023-06-01. Review status: criteria provided, single submitter. Criteria: CeGaT Center For Human Genetics Tuebingen Variant Classification Criteria Version 2. Collection method: clinical testing. Allele origin: germline. Affected: yes. Observed: 1 variant allele.
Comment: COL4A5: PM1:Strong, PM2, PS4:Moderate, PP3, PP4

GeneDx
Classification: Pathogenic. Last evaluated: 2023-02-08. Review status: criteria provided, single submitter. Criteria: GeneDx Variant Classification Process June 2021. Collection method: clinical testing. Allele origin: germline. Affected: yes.
Comment: Affects a glycine residue in a Gly-X-Y motif in the triple helical region of the COL4A5 gene, where the majority of pathogenic missense variants occur, and is predicted to disrupt normal protein folding and function (HGMD; Jais et al., 2000); Not observed in large population cohorts (gnomAD); In silico analysis supports that this missense variant has a deleterious effect on protein structure/function; This variant is associated with the following publications: (PMID: 15044104, 19919694, 29526710, 32405592, 9848783, 29127259, 15780079, 15347445, 33040356)

MGZ Medical Genetics Center
Classification: Likely pathogenic for X-linked Alport syndrome. Last evaluated: 2022-06-21. Review status: criteria provided, single submitter. Criteria: ACMG Guidelines, 2015. Collection method: clinical testing. Allele origin: germline. Affected: yes. Observed: 1 variant allele.
Comment: ACMG criteria applied: PS4_MOD, PM1, PM2_SUP, PP3

Fulgent Genetics
Classification: Pathogenic for X-linked Alport syndrome. Last evaluated: 2022-05-23. Review status: criteria provided, single submitter. Criteria: ACMG Guidelines, 2015. Collection method: clinical testing. Allele origin: unknown.

Illumina Laboratory Services, Illumina
Classification: Likely pathogenic for Alport syndrome. Last evaluated: 2021-02-25. Review status: criteria provided, single submitter. Criteria: ICSLVariantClassificationCriteria RUGD 01 April 2020. Collection method: clinical testing. Allele origin: unknown.
Comment: The COL4A5 c.3088G>A (p.Gly1030Ser) variant is a missense variant that has been reported in a hemizygous state in three male individuals and in a heterozygous state in one female individual with Alport syndrome (Martin et al. 1998; Wang et al. 2004; Liu et al. 2017; Kamura et al. 2020). All the affected individuals presented with hematuria, with two individuals also presenting with sensorineural hearing loss. The p.Gly1030Ser variant segregated in one family in which it was present in the affected father and son (Kamura et al. 2020). This variant is not found in the Genome Aggregation Database in a region of good sequence coverage, so is presumed to be rare. Glycine substitutions in missense variants in the collagenous domain are the most common variant type found in X-linked Alport syndrome (Kamura et al. 2020). Circular dichroism spectroscopy studies showed that the p.Gly1030Ser variant affected secondary structure of the protein and results in less beta-sheet and more random coil structure compared to wild type (Wang et al. 2004). In addition, expression of the p.Gly1030Ser variant in HEK293T cells showed a significant reduction of over 50% in extracellular secretion of COL4A5 compared to wild type (Kamura et al. 2020). Based on the collective evidence, the p.Gly1030Ser variant is classified as likely pathogenic for Alport syndrome.

Blueprint Genetics
Classification: Pathogenic for COL4A5-related disorders. Last evaluated: 2019-02-05. Review status: criteria provided, single submitter. Criteria: ACMG Guidelines, 2015. Collection method: clinical testing. Allele origin: germline. Affected: yes. Observed: 1 variant allele.

Yale Center for Mendelian Genomics, Yale University
Classification: Likely pathogenic for Nephrotic syndrome. Last evaluated: 2017-11-10. Review status: no assertion criteria provided. Collection method: literature only. Allele origin: germline. Affected: yes. Observed: 1 hemizygote. Study: Yale Center for Mendelian Genomics. Not counted in ClinVar's aggregate classification.

Literature cited by the submitters: PubMed 9848783 (cited by 5 submitters); PubMed 15347445 (cited by Centre de Génétique Humaine, Institut de Pathologie Et de Génétique and Mayo Clinic Laboratories, Mayo Clinic); PubMed 15780079 (cited by Centre de Génétique Humaine, Institut de Pathologie Et de Génétique); PubMed 19919694 (cited by Centre de Génétique Humaine, Institut de Pathologie Et de Génétique and Mayo Clinic Laboratories, Mayo Clinic); PubMed 24130771 (cited by 3 submitters); PubMed 28542346 (cited by Centre de Génétique Humaine, Institut de Pathologie Et de Génétique and Illumina Laboratory Services, Illumina); PubMed 29127259 (cited by 3 submitters); PubMed 33040356 (cited by Centre de Génétique Humaine, Institut de Pathologie Et de Génétique and Mayo Clinic Laboratories, Mayo Clinic); PubMed 37495524 (cited by Centre de Génétique Humaine, Institut de Pathologie Et de Génétique and Mayo Clinic Laboratories, Mayo Clinic); PubMed 40630291 (cited by Centre de Génétique Humaine, Institut de Pathologie Et de Génétique); PubMed 40753325 (cited by Centre de Génétique Humaine, Institut de Pathologie Et de Génétique); PubMed 40533884 (cited by Centre de Génétique Humaine, Institut de Pathologie Et de Génétique); PubMed 20378821 (cited by Natera, Inc.); PubMed 7695699 (cited by Labcorp Genetics (formerly Invitae), Labcorp); PubMed 8218237 (cited by Labcorp Genetics (formerly Invitae), Labcorp); PubMed 19344236 (cited by Labcorp Genetics (formerly Invitae), Labcorp); PubMed 23720012 (cited by Labcorp Genetics (formerly Invitae), Labcorp); PubMed 27627812 (cited by Labcorp Genetics (formerly Invitae), Labcorp); PubMed 32405592 (cited by Mayo Clinic Laboratories, Mayo Clinic and Illumina Laboratory Services, Illumina); PubMed 15044104 (cited by Illumina Laboratory Services, Illumina).